The following is an entry in ClinVar:

NM_001197104.2(KMT2A):c.7349del (p.Leu2450fs)

Gene: KMT2A (lysine methyltransferase 2A; plus strand). Cytogenetic location: 11q23.3.
Variant type: Deletion.
Coding change: c.7349del on transcript NM_001197104.2 (MANE Select); coding-DNA position 7349, one base deleted (T; older notation c.7349delT).
Protein change: p.Leu2450fs; shifts the reading frame from leucine 2450.
Molecular consequence: frameshift variant.
Genome position (GRCh38, 1-based): chr11:118,503,241, T deleted; the last of 6 consecutive T bases (chr11:118,503,236-118,503,241); deleting any one gives the same sequence. VCF-style (leftmost placement, unchanged base first): chr11-118503235-CT-C. GRCh37 (hg19) VCF-style: chr11-118373950-CT-C.
Other names: c.7340del, p.Leu2447fs (NM_005933.4); short protein forms L2450fs, L2447fs.
Identifiers: ClinVar variation 817708 (VCV000817708.1), dbSNP rs1591281736, ClinGen allele CA915947783.

ClinVar aggregate classification (germline): Pathogenic (1 of 4 stars; one submission).

Submission:

GeneDx
Classification: Pathogenic. Last evaluated: 2018-07-06. Review status: criteria provided, single submitter. Criteria: GeneDx Variant Classification (06012015). Collection method: clinical testing. Allele origin: germline. Affected: yes.
Comment: The c.7349delT variant in the KMT2A gene has not been reported previously as a pathogenic variant nor as a benign variant, to our knowledge. The c.7349delT variant causes a frameshift starting with codon Leucine 2450, changes this amino acid to a Tryptophan residue, and creates a premature Stop codon at position 6 of the new reading frame, denoted p.Leu2450TrpfsX6. This variant is predicted to cause loss of normal protein function either through protein truncation or nonsense-mediated mRNA decay. The c.7349delT variant is not observed in large population cohorts (Lek et al., 2016). We interpret c.7349delT as a pathogenic variant.